The following is an entry in ClinVar:

ClinVar aggregate classification (germline): Likely benign (1 of 4 stars; one submission).

Allele frequency attached by ClinVar (database versions not stated): gnomAD 0.00444 and 0.00476; TOPMed 0.00506; 1000 Genomes Project 0.00619; 1000 Genomes Project 30x 0.00703.
gnomAD v4.1: 673 of 152,274 alleles (0.44%); highest among the groups gnomAD compares: African/African-American, 1.5%; 6 homozygotes.

Submission:

GeneDx
Classification: Likely benign. Last evaluated: 2018-06-16. Review status: criteria provided, single submitter. Criteria: GeneDx Variant Classification (06012015). Collection method: clinical testing. Allele origin: germline. Affected: yes.
Comment: This variant is considered likely benign or benign based on one or more of the following criteria: it is a conservative change, it occurs at a poorly conserved position in the protein, it is predicted to be benign by multiple in silico algorithms, and/or has population frequency not consistent with disease.

NM_000540.3(RYR1):c.12095-158G>A

Gene: RYR1 (ryanodine receptor 1; plus strand). Cytogenetic location: 19q13.2.
Variant type: single nucleotide variant.
Coding change: c.12095-158G>A on transcript NM_000540.3 (MANE Select); 158 bases into the intron before coding-DNA position 12095, G replaced by A.
Molecular consequence: intron variant.
Genome position (GRCh38, 1-based): chr19:38,548,075, G>A. VCF-style: chr19-38548075-G-A. GRCh37 (hg19) VCF-style: chr19-39038715-G-A.
Other names: c.12080-158G>A (NM_001042723.2).
Identifiers: ClinVar variation 679977 (VCV000679977.1), dbSNP rs180992075, ClinGen allele CA308095470.